The following is an entry in ClinVar:

NM_001368397.1(FRMPD4):c.403C>T (p.Arg135Trp)

Gene: FRMPD4 (FERM and PDZ domain containing 4; plus strand). Cytogenetic location: Xp22.2.
Variant type: single nucleotide variant.
Coding change: c.403C>T on transcript NM_001368397.1 (MANE Select); coding-DNA position 403, C replaced by T.
Protein change: p.Arg135Trp; replaces arginine 135 with tryptophan.
Molecular consequence: missense variant.
Genome position (GRCh38, 1-based): chrX:12,614,862, C>T. VCF-style: chrX-12614862-C-T. GRCh37 (hg19) VCF-style: chrX-12632981-C-T.
Other names: NC_000023.10:g.12632981C>T; c.514C>T, p.Arg172Trp (NM_001368395.3, NM_001368398.3); c.403C>T, p.Arg135Trp (NM_001368396.3, NM_014728.3); c.394C>T, p.Arg132Trp (NM_001368399.3); c.283C>T, p.Arg95Trp (NM_001368400.3); c.379C>T, p.Arg127Trp (NM_001368401.1, NM_001368402.3); short protein forms R127W, R132W, R135W, R172W, R95W.
Identifiers: ClinVar variation 2663170 (VCV002663170.2), dbSNP rs2519510200, ClinGen allele CA412068431.

ClinVar aggregate classification (germline): Uncertain significance (1 of 4 stars; one submission).

Allele frequency attached by ClinVar (database versions not stated): gnomAD exomes below 0.00001.
gnomAD v4.1: 2 of 1,147,469 alleles (0.00017%); highest among the groups gnomAD compares: Non-Finnish European, 0.00024%; no homozygotes.

Submissions (3):

GeneDx
Classification: Uncertain significance. Last evaluated: 2023-05-09. Review status: criteria provided, single submitter. Criteria: GeneDx Variant Classification Process June 2021. Collection method: clinical testing. Allele origin: germline. Affected: yes.
Comment: Not observed at significant frequency in large population cohorts (gnomAD); In silico analysis supports that this missense variant has a deleterious effect on protein structure/function; Has not been previously published as pathogenic or benign to our knowledge

Dr. Peter K. Rogan Lab, Western University
No classification provided (evidence only). Condition: Nonpapillary renal cell carcinoma. Review status: no classification provided. Collection method: in vitro. Allele origin: not applicable. Functional consequence: retained intron. Not counted in ClinVar's aggregate classification.

Dr. Peter K. Rogan Lab, Western University
No classification provided (evidence only). Condition: Nonpapillary renal cell carcinoma. Review status: no classification provided. Collection method: in vitro. Allele origin: not applicable. Functional consequence: retained intron. Not counted in ClinVar's aggregate classification.